The following is an entry in ClinVar:

ClinVar aggregate classification (germline): Uncertain significance (1 of 4 stars; one submission).

Conditions:
Neuroblastoma, susceptibility to, 3. Also called: ALK-Related Neuroblastic Tumor Susceptibility. Identifiers: Orphanet 635, MedGen C2751681, MONDO:0013083, OMIM 613014.

Submission:

Labcorp Genetics (formerly Invitae), Labcorp
Classification: Uncertain significance for Neuroblastoma, susceptibility to, 3. Last evaluated: 2024-03-15. Review status: criteria provided, single submitter. Criteria: Invitae Variant Classification Sherloc (09022015). Collection method: clinical testing. Allele origin: germline.
Comment: This sequence change replaces arginine, which is basic and polar, with glycine, which is neutral and non-polar, at codon 203 of the ALK protein (p.Arg203Gly). This variant is not present in population databases (gnomAD no frequency). This variant has not been reported in the literature in individuals affected with ALK-related conditions. An algorithm developed to predict the effect of missense changes on protein structure and function (PolyPhen-2) suggests that this variant is likely to be tolerated. In summary, the available evidence is currently insufficient to determine the role of this variant in disease. Therefore, it has been classified as a Variant of Uncertain Significance.

NM_004304.5(ALK):c.607A>G (p.Arg203Gly)

Gene: ALK (ALK receptor tyrosine kinase; minus strand). Cytogenetic location: 2p23.1.
Variant type: single nucleotide variant.
Coding change: c.607A>G on transcript NM_004304.5 (MANE Select); coding-DNA position 607, A replaced by G.
Protein change: p.Arg203Gly; replaces arginine 203 with glycine.
Molecular consequence: missense variant.
Genome position (GRCh38, 1-based): chr2:29,920,053, T>C on the plus strand (A>G on the coding strand, the complement: ALK is on the minus strand). VCF-style: chr2-29920053-T-C. GRCh37 (hg19) VCF-style: chr2-30142919-T-C.
Other names: short protein forms R203G.
Identifiers: ClinVar variation 3646061 (VCV003646061.2).
Genomic context (GRCh38, chr2:29,920,053, plus strand): 5'-CAGTCCCGAAGATCTGGAAGAGAAGGCGGGGCTGGGAGGCGCGAATTGCCGCGGACAGCC[T>C]TCCCTCTCTGCCCACTTCCGACGCCTTCTTCTCGGGCATCAGGCGGATCCTCAGTCGCCC-3'
Protein context (NP_004295.2, residues 193-213): KKASEVGREG[Arg203Gly]LSAAIRASQP